The following is an entry in ClinVar:

NM_182931.3(KMT2E):c.1792A>G (p.Arg598Gly)

Gene: KMT2E (lysine methyltransferase 2E (inactive); plus strand). Cytogenetic location: 7q22.3.
Variant type: single nucleotide variant.
Coding change: c.1792A>G on transcript NM_182931.3 (MANE Select); coding-DNA position 1792, A replaced by G.
Protein change: p.Arg598Gly; replaces arginine 598 with glycine.
Molecular consequence: missense variant.
Genome position (GRCh38, 1-based): chr7:105,101,494, A>G. VCF-style: chr7-105101494-A-G. GRCh37 (hg19) VCF-style: chr7-104741941-A-G.
Other names: c.1792A>G, p.Arg598Gly (NM_018682.4); short protein forms R598G.
Identifiers: ClinVar variation 1700657 (VCV001700657.1), dbSNP rs2129569484, ClinGen allele CA368784293.

ClinVar aggregate classification (germline): Likely pathogenic (1 of 4 stars; one submission).

Conditions:
O'Donnell-Luria-Rodan syndrome (ODLURO). Also called: KMT2E-Related Neurodevelopmental Disorder. Identifiers: MedGen C5193138, MONDO:0032793, OMIM 618512.

Submission:

Department of Human Genetics, Hannover Medical School
Classification: Likely pathogenic for O'Donnell-Luria-Rodan syndrome. Last evaluated: 2022-08-15. Review status: criteria provided, single submitter. Criteria: ACMG Guidelines, 2015. Collection method: clinical testing. Allele origin: germline. Inheritance: Autosomal dominant inheritance. Affected: yes. Clinical features observed: Seizure (HP:0001250).
Comment: This heterozygous variant in the KMT2E gene was detected de novo (trio sequencing). Pathogenic loss-of-function variants in the KMT2E gene are associated with the O'Donnell-Luria-Rodan syndrome (MIM 618512), which follows an autosomal dominant inheritance pattern. The initial description of this syndrome in 2019 (O'Donnell-Luria et al., PMID: 31079897) described 31 different heterozygous variants in KMT2E and four individuals with microdeletions on chromosome 7q22.2-22.23 comprising KMT2E. Almost all variants occurred de novo. Most affected individuals with truncating variants had mild intellectual disability. One quarter of affected individuals met criteria for autism. Other common features included macrocephaly, hypotonia, functional gastrointestinal abnormalities, and subtle facial dysmorphisms. The 4 described patients with missense variants in KMT2E had the most severe developmental delays in the group described. Epilepsy occurred in all individuals with missense variants and often manifested as treatment-resistant infantile epileptic encephalopathy. The above-mentioned missense variant in the KMT2E gene affects a moderately conserved region in exon 16, and no entries are available in the GnomAD population database. The variant is also not described in the LOVD and ClinVar databases. An in silico analysis of this variant with REVEL suggests that it may be a variant with clinical significance. According to the current ACMG Standards and Guidelines (Richards et al. 2015 Genetics in Medicine, criteria PS2, PM2, PP3), this variant is classified as ACMG class 4/likely pathogenic.